The following is an entry in ClinVar:

NM_001130438.3(SPTAN1):c.7308+9del

Gene: SPTAN1 (spectrin alpha, non-erythrocytic 1; plus strand). Cytogenetic location: 9q34.11.
Variant type: Deletion.
Coding change: c.7308+9del on transcript NM_001130438.3 (MANE Select); 9 bases into the intron after coding-DNA position 7308, one base deleted (C; older notation c.7308+9delC).
Molecular consequence: intron variant.
Genome position (GRCh38, 1-based): chr9:128,632,964, C deleted; the last of 2 consecutive C bases (chr9:128,632,963-128,632,964); deleting either gives the same sequence. VCF-style (leftmost placement, unchanged base first): chr9-128632962-GC-G. GRCh37 (hg19) VCF-style: chr9-131395241-GC-G.
Other names: c.7308+9delC (NM_001130438.2); c.7371+9del (NM_001363759.2); c.7293+9del (NM_003127.4); c.7248+9del (NM_001363765.2); c.7233+9del (NM_001195532.2).
Identifiers: ClinVar variation 506964 (VCV000506964.10), dbSNP rs1191675267, ClinGen allele CA375103139.

ClinVar aggregate classification (germline): Likely benign. Review status: criteria provided, multiple submitters, no conflicts (2 of 4 stars). 2 submissions from 2 submitters: Likely benign (2). Last evaluated 2024-03-15.

Conditions:
Early-infantile DEE. Also called: Ohtahara syndrome; Early infantile epileptic encephalopathy; Early infantile epileptic encephalopathy with suppression bursts. Identifiers: Orphanet 1934, MedGen C0393706, MONDO:0800491.

Submissions (2):

Labcorp Genetics (formerly Invitae), Labcorp
Classification: Likely benign for Early-infantile DEE. Last evaluated: 2024-03-15. Review status: criteria provided, single submitter. Criteria: Invitae Variant Classification Sherloc (09022015). Collection method: clinical testing. Allele origin: germline.

GeneDx
Classification: Likely benign. Last evaluated: 2017-01-26. Review status: criteria provided, single submitter. Criteria: GeneDx Variant Classification (06012015). Collection method: clinical testing. Allele origin: germline. Affected: yes.
Comment: This variant is considered likely benign or benign based on one or more of the following criteria: it is a conservative change, it occurs at a poorly conserved position in the protein, it is predicted to be benign by multiple in silico algorithms, and/or has population frequency not consistent with disease.